The following is an entry in ClinVar:

NM_003190.5(TAPBP):c.1105C>T (p.Pro369Ser)

Gene: TAPBP (TAP binding protein; minus strand). Cytogenetic location: 6p21.32.
Variant type: single nucleotide variant.
Coding change: c.1105C>T on transcript NM_003190.5 (MANE Select); coding-DNA position 1105, C replaced by T.
Protein change: p.Pro369Ser; replaces proline 369 with serine.
Molecular consequence: missense variant.
Genome position (GRCh38, 1-based): chr6:33,304,402, G>A on the plus strand (C>T on the coding strand, the complement: TAPBP is on the minus strand). VCF-style: chr6-33304402-G-A. GRCh37 (hg19) VCF-style: chr6-33272179-G-A.
Other names: c.1105C>T, p.Pro369Ser (NM_172208.3); c.844C>T, p.Pro282Ser (NM_172209.3); short protein forms P282S, P369S.
Identifiers: ClinVar variation 1429667 (VCV001429667.6), dbSNP rs1007511471, ClinGen allele CA363688645.
Genomic context (GRCh38, chr6:33,304,402, plus strand): 5'-GGCTGGGATGGTGAATTCGACAGGCATAGCGTGCCCCATGCTGCTCAGTGGTGACTGGGG[G>A]CGGCTGCAAGTGCCCAGAGAGGCTGACAGAGCCATCGGAATGGTGGCGCAGGGCCGAGAG-3'
Protein context (NP_003181.3, residues 359-379): SVSLSGHLQP[Pro369Ser]PVTTEQHGAR

ClinVar aggregate classification (germline): Uncertain significance (1 of 4 stars; one submission).

Conditions:
MHC class I deficiency. Identifiers: Orphanet 34592, MedGen C6024714, MONDO:0011476.

Allele frequency attached by ClinVar (database versions not stated): gnomAD exomes below 0.00001.
gnomAD v4.1: 1 of 1,612,734 alleles (0.000062%); highest among the groups gnomAD compares: African/African-American, 0.0013%; no homozygotes.

Submission:

Labcorp Genetics (formerly Invitae), Labcorp
Classification: Uncertain significance for MHC class I deficiency 1. Last evaluated: 2021-11-13. Review status: criteria provided, single submitter. Criteria: Invitae Variant Classification Sherloc (09022015). Collection method: clinical testing. Allele origin: germline.
Comment: In summary, the available evidence is currently insufficient to determine the role of this variant in disease. Therefore, it has been classified as a Variant of Uncertain Significance. Algorithms developed to predict the effect of missense changes on protein structure and function output the following: SIFT: "Tolerated"; PolyPhen-2: "Benign"; Align-GVGD: "Class C0". The serine amino acid residue is found in multiple mammalian species, which suggests that this missense change does not adversely affect protein function. This variant has not been reported in the literature in individuals affected with TAPBP-related conditions. This variant is not present in population databases (gnomAD no frequency). This sequence change replaces proline, which is neutral and non-polar, with serine, which is neutral and polar, at codon 369 of the TAPBP protein (p.Pro369Ser).